The following is an entry in ClinVar:

ClinVar aggregate classification (germline): Uncertain significance (1 of 4 stars; one submission).

Conditions:
Cardiovascular phenotype. Identifiers: MedGen CN230736.

Submission:

Ambry Genetics
Classification: Uncertain significance for Cardiovascular phenotype. Last evaluated: 2024-11-10. Review status: criteria provided, single submitter. Criteria: Ambry Variant Classification Scheme 2023. Collection method: clinical testing. Allele origin: germline.
Comment: The p.R1166H variant (also known as c.3497G>A), located in coding exon 23 of the TRPM4 gene, results from a G to A substitution at nucleotide position 3497. The arginine at codon 1166 is replaced by histidine, an amino acid with highly similar properties. This amino acid position is conserved. In addition, this alteration is predicted to be tolerated by in silico analysis. Based on the available evidence, the clinical significance of this variant remains unclear.

NM_017636.4(TRPM4):c.3497G>A (p.Arg1166His)

Gene: TRPM4 (transient receptor potential cation channel subfamily M member 4; plus strand). Cytogenetic location: 19q13.33.
Variant type: single nucleotide variant.
Coding change: c.3497G>A on transcript NM_017636.4 (MANE Select); coding-DNA position 3497, G replaced by A.
Protein change: p.Arg1166His; replaces arginine 1166 with histidine.
Molecular consequence: missense variant.
Genome position (GRCh38, 1-based): chr19:49,211,050, G>A. VCF-style: chr19-49211050-G-A. GRCh37 (hg19) VCF-style: chr19-49714307-G-A.
Other names: c.3062G>A, p.Arg1021His (NM_001195227.2); c.3152G>A, p.Arg1051His (NM_001321281.2); c.1889G>A, p.Arg630His (NM_001321282.2); c.2975G>A, p.Arg992His (NM_001321283.2); c.2435G>A, p.Arg812His (NM_001321285.2); short protein forms R1166H, R1051H, R630H, R812H, R1021H, R992H.
Identifiers: ClinVar variation 3462154 (VCV003462154.1).